The following is an entry in ClinVar:

NM_001005388.3(NFASC):c.2049C>T (p.Gly683=)

Gene: NFASC (neurofascin; plus strand). Cytogenetic location: 1q32.1.
Variant type: single nucleotide variant.
Coding change: c.2049C>T on transcript NM_001005388.3 (MANE Select); coding-DNA position 2049, C replaced by T.
Protein change: p.Gly683=; no amino-acid change (glycine 683 retained).
Molecular consequence: synonymous variant.
Genome position (GRCh38, 1-based): chr1:204,979,432, C>T. VCF-style: chr1-204979432-C-T. GRCh37 (hg19) VCF-style: chr1-204948560-C-T.
Other names: c.2082C>T, p.Gly694= (NM_001160331.2); c.2037C>T, p.Gly679= (NM_001160332.2, NM_001365986.1, NM_015090.4); c.2049C>T, p.Gly683= (NM_001378329.1).
Identifiers: ClinVar variation 4984408 (VCV004984408.1).

ClinVar aggregate classification (germline): Likely benign (1 of 4 stars; one submission).

Conditions:
NFASC-related disorder. Also called: NFASC-related condition.

gnomAD v4.1: 6 of 1,614,082 alleles (0.00037%); highest among the groups gnomAD compares: Middle Eastern, 0.099%; no homozygotes.

Submission:

PreventionGenetics, part of Exact Sciences
Classification: Likely benign for NFASC-related condition. Last evaluated: 2025-12-16. Review status: criteria provided, single submitter. Criteria: ACMG Guidelines, 2015. Collection method: clinical testing. Allele origin: germline.
Comment: This variant is classified as likely benign based on ACMG/AMP sequence variant interpretation guidelines (Richards et al. 2015 PMID: 25741868, with internal and published modifications).